The following is an entry in ClinVar:

NM_006767.4(LZTR1):c.2280C>A (p.Cys760Ter)

Gene: LZTR1 (leucine zipper like post translational regulator 1; plus strand). Cytogenetic location: 22q11.21.
Variant type: single nucleotide variant.
Coding change: c.2280C>A on transcript NM_006767.4 (MANE Select); coding-DNA position 2280, C replaced by A.
Protein change: p.Cys760Ter; replaces cysteine 760 with a stop codon.
Molecular consequence: nonsense.
Genome position (GRCh38, 1-based): chr22:20,996,756, C>A. VCF-style: chr22-20996756-C-A. GRCh37 (hg19) VCF-style: chr22-21351045-C-A.
Other names: short protein forms C760*.
Identifiers: ClinVar variation 3618314 (VCV003618314.2).

ClinVar aggregate classification (germline): Pathogenic (1 of 4 stars; one submission).

Submission:

Labcorp Genetics (formerly Invitae), Labcorp
Classification: Pathogenic. Last evaluated: 2025-04-17. Review status: criteria provided, single submitter. Criteria: Invitae Variant Classification Sherloc (09022015). Collection method: clinical testing. Allele origin: germline.
Comment: This sequence change creates a premature translational stop signal (p.Cys760*) in the LZTR1 gene. It is expected to result in an absent or disrupted protein product. Loss-of-function variants in LZTR1 are known to be pathogenic (PMID: 24362817, 25335493, 25480913, 25795793, 29469822, 30368668, 30442762, 30442766, 30481304, 30859559). This variant is not present in population databases (gnomAD no frequency). This variant has not been reported in the literature in individuals affected with LZTR1-related conditions. ClinVar contains an entry for this variant (Variation ID: 3618314). For these reasons, this variant has been classified as Pathogenic.

Literature cited by the submitters: PubMed 24362817; PubMed 25335493; PubMed 25480913; PubMed 25795793; PubMed 29469822; PubMed 30368668; PubMed 30442762; PubMed 30442766; PubMed 30481304; PubMed 30859559.